The following is an entry in ClinVar:

ClinVar aggregate classification (germline): Likely benign. Review status: criteria provided, multiple submitters, no conflicts (2 of 4 stars). 2 submissions from 2 submitters: Likely benign (2). Last evaluated 2026-03-01.

Allele frequency attached by ClinVar (database versions not stated): 1000 Genomes Project 30x 0.00031; 1000 Genomes Project 0.00040.
gnomAD v4.1: 57 of 1,613,290 alleles (0.0035%); highest among the groups gnomAD compares: South Asian, 0.034%; no homozygotes.

Submissions (2):

CeGaT Center for Human Genetics Tuebingen
Classification: Likely benign. Last evaluated: 2026-03-01. Review status: criteria provided, single submitter. Criteria: CeGaT Center For Human Genetics Tuebingen Variant Classification Criteria Version 2. Collection method: clinical testing. Allele origin: germline. Affected: yes. Observed: 1 variant allele.
Comment: TONSL: BP4, BP7

Labcorp Genetics (formerly Invitae), Labcorp
Classification: Likely benign. Last evaluated: 2025-11-18. Review status: criteria provided, single submitter. Criteria: Invitae Variant Classification Sherloc (09022015). Collection method: clinical testing. Allele origin: germline.

NM_013432.5(TONSL):c.3498G>A (p.Ala1166=)

Gene: TONSL (tonsoku like, DNA repair protein; minus strand). Cytogenetic location: 8q24.3.
Variant type: single nucleotide variant.
Coding change: c.3498G>A on transcript NM_013432.5 (MANE Select); coding-DNA position 3498, G replaced by A.
Protein change: p.Ala1166=; no amino-acid change (alanine 1166 retained).
Molecular consequence: synonymous variant.
Genome position (GRCh38, 1-based): chr8:144,433,649, C>T on the plus strand (G>A on the coding strand, the complement: TONSL is on the minus strand). VCF-style: chr8-144433649-C-T. GRCh37 (hg19) VCF-style: chr8-145659032-C-T.
Identifiers: ClinVar variation 1572026 (VCV001572026.12), dbSNP rs550271349, ClinGen allele CA4942495.